The following is an entry in ClinVar:

NM_175914.5(HNF4A):c.320-204C>G

Gene: HNF4A (hepatocyte nuclear factor 4 alpha; plus strand). Cytogenetic location: 20q13.12.
Variant type: single nucleotide variant.
Coding change: c.320-204C>G on transcript NM_175914.5 (MANE Select); 204 bases into the intron before coding-DNA position 320, C replaced by G.
Molecular consequence: intron variant.
Genome position (GRCh38, 1-based): chr20:44,413,490, C>G. VCF-style: chr20-44413490-C-G. GRCh37 (hg19) VCF-style: chr20-43042130-C-G.
Other names: c.311-204C>G (NM_001287182.2, NM_001287183.2, NM_001287184.2); c.320-204C>G (NM_001030003.3, NM_001030004.3); c.365-204C>G (NM_001258355.2); c.386-204C>G (NM_178849.3, NM_000457.6, NM_178850.3).
Identifiers: ClinVar variation 676906 (VCV000676906.3), dbSNP rs13041396, ClinGen allele CA14798799.
Genomic context (GRCh38, chr20:44,413,490, plus strand): 5'-AGCCGAGTCTTCACTGTCTTGCGCGCCCCTGCTGATGGGTGGATCACTCTTATAGCCTCT[C>G]CATTGTGTTGGGGGCAGTTGTGATATGTGGAAAGTTCTTCCACCAGCTGAGTTAGAGGCC-3'

ClinVar aggregate classification (germline): Benign. Review status: criteria provided, multiple submitters, no conflicts (2 of 4 stars). 3 submissions from 3 submitters: Benign (3). Last evaluated 2018-06-14.

Conditions:
Maturity-onset diabetes of the young (MODY). Also called: Maturity onset diabetes mellitus in young. Identifiers: Orphanet 552, MedGen C0342276, MONDO:0018911, HP:0004904.

Allele frequency attached by ClinVar (database versions not stated): 1000 Genomes Project 0.13718; 1000 Genomes Project 30x 0.14319; gnomAD 0.18605 and 0.19053; TOPMed 0.19224.
gnomAD v4.1: 28,283 of 152,006 alleles (19%); highest among the groups gnomAD compares: Admixed American, 21%; 2,774 homozygotes.

Submissions (3):

GeneDx
Classification: Benign. Last evaluated: 2018-06-14. Review status: criteria provided, single submitter. Criteria: GeneDx Variant Classification (06012015). Collection method: clinical testing. Allele origin: germline. Affected: yes.
Comment: This variant is considered likely benign or benign based on one or more of the following criteria: it is a conservative change, it occurs at a poorly conserved position in the protein, it is predicted to be benign by multiple in silico algorithms, and/or has population frequency not consistent with disease.

Breakthrough Genomics
Classification: Benign. Review status: criteria provided, single submitter. Criteria: ACMG Guidelines, 2015. Collection method: not provided. Allele origin: germline. Inheritance: Autosomal dominant inheritance. Affected: yes.

Clinical Genomics, Uppaluri K&H Personalized Medicine Clinic
Classification: Benign for Maturity-onset diabetes of the young. Review status: criteria provided, single submitter. Criteria: K & H Uppaluri Personalized Medicine Clinic Variant Classification & Assertion Criteria_Updated V.1. Collection method: research. Allele origin: unknown. Inheritance: Autosomal dominant inheritance.
Comment: Potent mutations in HNF4A are associated with poor insulin secretion in response to hyperglycemia. Associated with MODY1. Patients initially respond well to sulfonylureas but eventually become insulin dependent. However, more evidence is required to ascertain the role of this particular variant rs13041396 in MODY, yet.

Literature cited by the submitters: DOI 10.1159/000334532 (cited by Clinical Genomics, Uppaluri K&H Personalized Medicine Clinic); PubMed 18268044 (cited by Clinical Genomics, Uppaluri K&H Personalized Medicine Clinic); PubMed 17563455 (cited by Clinical Genomics, Uppaluri K&H Personalized Medicine Clinic); PubMed 32583173 (cited by Clinical Genomics, Uppaluri K&H Personalized Medicine Clinic); PubMed 35052457 (cited by Clinical Genomics, Uppaluri K&H Personalized Medicine Clinic); PubMed 35118593 (cited by Clinical Genomics, Uppaluri K&H Personalized Medicine Clinic).